The following is an entry in ClinVar:

NM_030665.4(RAI1):c.579G>A (p.Leu193=)

Gene: RAI1 (retinoic acid induced 1; plus strand). Cytogenetic location: 17p11.2.
Variant type: single nucleotide variant.
Coding change: c.579G>A on transcript NM_030665.4 (MANE Select); coding-DNA position 579, G replaced by A.
Protein change: p.Leu193=; no amino-acid change (leucine 193 retained).
Molecular consequence: synonymous variant.
Genome position (GRCh38, 1-based): chr17:17,793,527, G>A. VCF-style: chr17-17793527-G-A. GRCh37 (hg19) VCF-style: chr17-17696841-G-A.
Identifiers: ClinVar variation 2647520 (VCV002647520.26), dbSNP rs2508569682, ClinGen allele CA498422794.

ClinVar aggregate classification (germline): Likely benign. Review status: criteria provided, multiple submitters, no conflicts (2 of 4 stars). 2 submissions from 2 submitters: Likely benign (2). Last evaluated 2025-01-13.

Allele frequency attached by ClinVar (database versions not stated): gnomAD exomes below 0.00001.
gnomAD v4.1: 6 of 1,614,016 alleles (0.00037%); highest among the groups gnomAD compares: Non-Finnish European, 0.00034%; no homozygotes.

Submissions (2):

Labcorp Genetics (formerly Invitae), Labcorp
Classification: Likely benign. Last evaluated: 2025-01-13. Review status: criteria provided, single submitter. Criteria: Invitae Variant Classification Sherloc (09022015). Collection method: clinical testing. Allele origin: germline.

CeGaT Center for Human Genetics Tuebingen
Classification: Likely benign. Last evaluated: 2024-02-01. Review status: criteria provided, single submitter. Criteria: CeGaT Center For Human Genetics Tuebingen Variant Classification Criteria Version 2. Collection method: clinical testing. Allele origin: germline. Affected: yes. Observed: 2 variant alleles.
Comment: RAI1: PM2:Supporting, BP4, BP7